The following is an entry in ClinVar:

NM_000222.3(KIT):c.872A>G (p.Tyr291Cys)

Gene: KIT (KIT proto-oncogene, receptor tyrosine kinase; plus strand). Cytogenetic location: 4q12.
Variant type: single nucleotide variant.
Coding change: c.872A>G on transcript NM_000222.3 (MANE Select); coding-DNA position 872, A replaced by G.
Protein change: p.Tyr291Cys; replaces tyrosine 291 with cysteine.
Molecular consequence: missense variant.
Genome position (GRCh38, 1-based): chr4:54,703,839, A>G. VCF-style: chr4-54703839-A-G. GRCh37 (hg19) VCF-style: chr4-55570005-A-G.
Other names: c.872A>G, p.Tyr291Cys (NM_001093772.2, NM_001385285.1, NM_001385286.1); c.875A>G, p.Tyr292Cys (NM_001385284.1, NM_001385288.1, NM_001385290.1 and 1 more transcripts); short protein forms Y291C, Y292C.
Identifiers: ClinVar variation 1021542 (VCV001021542.10), dbSNP rs1720610130, ClinGen allele CA356899998.

ClinVar aggregate classification (germline): Uncertain significance. Review status: criteria provided, multiple submitters, no conflicts (2 of 4 stars). 2 submissions from 2 submitters: Uncertain significance (2). Last evaluated 2025-11-10.

Conditions:
Hereditary cancer-predisposing syndrome. Also called: Tumor predisposition; Neoplastic Syndromes, Hereditary; Hereditary neoplastic syndrome; Hereditary Cancer Syndrome. Identifiers: Orphanet 140162, MedGen C0027672, MeSH D009386, MONDO:0015356.
Gastrointestinal stromal tumor. Also called: Gastrointestinal stromal tumor, somatic; Gastrointestinal stroma tumor. Identifiers: Orphanet 44890, MedGen C0238198, MeSH D046152, MONDO:0011719, OMIM 606764, HP:0100723.

Allele frequency attached by ClinVar (database versions not stated): gnomAD exomes below 0.00001.
gnomAD v4.1: 1 of 1,613,990 alleles (0.000062%); highest among the groups gnomAD compares: Non-Finnish European, 0.000085%; no homozygotes.

Submissions (2):

Labcorp Genetics (formerly Invitae), Labcorp
Classification: Uncertain significance for Gastrointestinal stromal tumor. Last evaluated: 2025-11-10. Review status: criteria provided, single submitter. Criteria: Invitae Variant Classification Sherloc (09022015). Collection method: clinical testing. Allele origin: germline.
Comment: This sequence change replaces tyrosine, which is neutral and polar, with cysteine, which is neutral and slightly polar, at codon 291 of the KIT protein (p.Tyr291Cys). This variant is not present in population databases (gnomAD no frequency). This variant has not been reported in the literature in individuals affected with KIT-related conditions. ClinVar contains an entry for this variant (Variation ID: 1021542). An algorithm developed to predict the effect of missense changes on protein structure and function (PolyPhen-2) suggests that this variant is likely to be disruptive. In summary, the available evidence is currently insufficient to determine the role of this variant in disease. Therefore, it has been classified as a Variant of Uncertain Significance.

Ambry Genetics
Classification: Uncertain significance for Hereditary cancer-predisposing syndrome. Last evaluated: 2025-01-30. Review status: criteria provided, single submitter. Criteria: Ambry Variant Classification Scheme 2023. Collection method: clinical testing. Allele origin: germline.
Comment: The p.Y291C variant (also known as c.872A>G), located in coding exon 5 of the KIT gene, results from an A to G substitution at nucleotide position 872. The tyrosine at codon 291 is replaced by cysteine, an amino acid with highly dissimilar properties. This amino acid position is not well conserved in available vertebrate species. In addition, this alteration is predicted to be tolerated by in silico analysis. Based on the available evidence, the clinical significance of this variant remains unclear.